The following is an entry in ClinVar:

NM_001363118.2(SLC52A2):c.929A>G (p.Tyr310Cys)

Gene: SLC52A2 (solute carrier family 52 member 2; plus strand). Cytogenetic location: 8q24.3.
Variant type: single nucleotide variant.
Coding change: c.929A>G on transcript NM_001363118.2 (MANE Select); coding-DNA position 929, A replaced by G.
Protein change: p.Tyr310Cys; replaces tyrosine 310 with cysteine.
Molecular consequence: missense variant. On other transcripts: non-coding transcript variant (1).
Genome position (GRCh38, 1-based): chr8:144,360,421, A>G. VCF-style: chr8-144360421-A-G. GRCh37 (hg19) VCF-style: chr8-145584081-A-G.
Other names: c.929A>G, p.Tyr310Cys (NM_001253815.2, NM_001253816.2, NM_001363120.2 and 2 more transcripts); c.437A>G, p.Tyr146Cys (NM_001363122.2); c.665A>G, p.Tyr222Cys (NM_001410949.1); short protein forms Y146C, Y222C, Y310C.
Identifiers: ClinVar variation 1710846 (VCV001710846.2), dbSNP rs1463329267, ClinGen allele CA372628375.

ClinVar aggregate classification (germline): Uncertain significance (1 of 4 stars; one submission).

Allele frequency attached by ClinVar (database versions not stated): gnomAD exomes below 0.00001; gnomAD 0.00001.
gnomAD v4.1: 2 of 1,606,610 alleles (0.00012%); highest among the groups gnomAD compares: South Asian, 0.0011%; no homozygotes.

Submission:

GeneDx
Classification: Uncertain significance. Last evaluated: 2022-04-13. Review status: criteria provided, single submitter. Criteria: GeneDx Variant Classification Process June 2021. Collection method: clinical testing. Allele origin: germline. Affected: yes.
Comment: Not observed at significant frequency in large population cohorts (gnomAD); In silico analysis supports that this missense variant has a deleterious effect on protein structure/function; Has not been previously published as pathogenic or benign to our knowledge